The following is an entry in ClinVar:

ClinVar aggregate classification (germline): Uncertain significance (1 of 4 stars; one submission).

Conditions:
Tuberous sclerosis 2 (TSC2). Identifiers: Orphanet 805, MedGen C1860707, MONDO:0013199, OMIM 613254.

gnomAD v4.1: 1 of 1,612,836 alleles (0.000062%); no homozygotes.

Submission:

Labcorp Genetics (formerly Invitae), Labcorp
Classification: Uncertain significance for Tuberous sclerosis 2. Last evaluated: 2021-10-30. Review status: criteria provided, single submitter. Criteria: Invitae Variant Classification Sherloc (09022015). Collection method: clinical testing. Allele origin: germline.
Comment: In summary, the available evidence is currently insufficient to determine the role of this variant in disease. Therefore, it has been classified as a Variant of Uncertain Significance. Advanced modeling of protein sequence and biophysical properties (such as structural, functional, and spatial information, amino acid conservation, physicochemical variation, residue mobility, and thermodynamic stability) performed at Invitae indicates that this missense variant is not expected to disrupt TSC2 protein function. This missense change has been observed in individual(s) with tuberous sclerosis complex (PMID: 9463313). This variant is not present in population databases (gnomAD no frequency). This sequence change replaces aspartic acid, which is acidic and polar, with glutamic acid, which is acidic and polar, at codon 1084 of the TSC2 protein (p.Asp1084Glu).

Literature cited by the submitters: PubMed 9463313.

NM_000548.5(TSC2):c.3252C>A (p.Asp1084Glu)

Gene: TSC2 (TSC complex subunit 2; plus strand). Cytogenetic location: 16p13.3.
Variant type: single nucleotide variant.
Coding change: c.3252C>A on transcript NM_000548.5 (MANE Select); coding-DNA position 3252, C replaced by A.
Protein change: p.Asp1084Glu; replaces aspartic acid 1084 with glutamic acid.
Molecular consequence: missense variant.
Genome position (GRCh38, 1-based): chr16:2,079,396, C>A. VCF-style: chr16-2079396-C-A. GRCh37 (hg19) VCF-style: chr16-2129397-C-A.
Other names: c.3120C>A, p.Asp1040Glu (NM_001077183.3, NM_001370404.1); c.3252C>A, p.Asp1084Glu (NM_001114382.3); c.3012C>A, p.Asp1004Glu (NM_001318827.2); c.2976C>A, p.Asp992Glu (NM_001318829.2); c.2520C>A, p.Asp840Glu (NM_001318831.2); c.3153C>A, p.Asp1051Glu (NM_001318832.2); c.3123C>A, p.Asp1041Glu (NM_001363528.2, NM_001370405.1, NM_021055.3); short protein forms D1051E, D1041E, D1084E, D840E, D992E, D1004E, D1040E.
Identifiers: ClinVar variation 1348312 (VCV001348312.6), dbSNP rs45517286, ClinGen allele CA394286142.
Genomic context (GRCh38, chr16:2,079,396, plus strand): 5'-CAAGCTTGTCACTGTGACGACAAGCGTGGGAACCGGGACCCGGTCGTTACTAGGCCTGGA[C>A]TCGGGGGAGCTGCAGTCCGGCCCGGAGTCGAGGTGACTGCACCTTCCTTTCCTCCGCGCC-3'
Protein context (NP_000539.2, residues 1074-1094): GTGTRSLLGL[Asp1084Glu]SGELQSGPES